The following is an entry in ClinVar:

ClinVar aggregate classification (somatic clinical impact): Tier I - Strong (1 of 4 stars; one submission).

Conditions:
Diffuse pediatric-type high-grade glioma, H3-wildtype and IDH-wildtype. Identifiers: MedGen C5669918, MONDO:0858939.

Submission:

Institute for Genomic Medicine (IGM) Clinical Laboratory, Nationwide Children's Hospital
Classification: Tier I - Strong for Diffuse pediatric-type high-grade glioma, H3-wildtype and IDH-wildtype. Assertion type: diagnostic. Clinical significance: supports diagnosis. Last evaluated: 2024-03-05. Review status: criteria provided, single submitter. Criteria: AMP/ASCO/CAP Guidelines, 2017. Collection method: clinical testing. Allele origin: somatic. Affected: yes.
Comment: Variant has Tier I (strong) clinical significance as a diagnostic inclusion criterion in diffuse pediatric-type high-grade glioma, H3-wildtype and IDH-wildtype, based on the following evidence: 1) Documented in one or more cancer databases (e.g., St. Jude Pecan, COSMIC, CIViC, OncoKB). 2) Appears in one or more well-established professional guidelines (e.g., World Health Organization [WHO]; National Comprehensive Cancer Network [NCCN]) as providing diagnostic, prognostic, or therapeutic information. 3) Information in the literature supports potential biologic effect of variant (PMID: 2023). 4) Diagnostic for a specific tumor type/classification based on well-powered studies with expert-level consensus (Evidence Level B; PMIDs: 29763623, 24705250, 28966033, 24705251, 27582545).

Literature cited by the submitters: PubMed 2023; PubMed 29763623; PubMed 24705250; PubMed 28966033; PubMed 24705251; PubMed 27582545.

NM_006206.6(PDGFRA):c.1153_1154delinsCT (p.Lys385Leu)

Gene: PDGFRA (platelet derived growth factor receptor alpha; plus strand). Cytogenetic location: 4q12.
Variant type: Indel.
Coding change: c.1153_1154delinsCT on transcript NM_006206.6 (MANE Select); coding-DNA positions 1153 to 1154, AA replaced by CT.
Protein change: p.Lys385Leu; replaces lysine 385 with leucine.
Molecular consequence: missense variant.
Genome position (GRCh38, 1-based): chr4:54,270,664-54,270,665, AA replaced by CT. VCF-style: chr4-54270664-AA-CT. GRCh37 (hg19) VCF-style: chr4-55136831-AA-CT.
Other names: c.1153_1154delinsCT, p.Lys385Leu (NM_001347827.2, NM_001347829.2); c.1228_1229delinsCT, p.Lys410Leu (NM_001347828.2); c.1192_1193delinsCT, p.Lys398Leu (NM_001347830.2); short protein forms K385L, K398L, K410L.
Identifiers: ClinVar variation 4530342 (VCV004530342.1).